The following is an entry in ClinVar:

ClinVar aggregate classification (germline): Likely benign. Review status: criteria provided, multiple submitters, no conflicts (2 of 4 stars). 2 submissions from 2 submitters: Likely benign (2). Last evaluated 2018-01-12.

Conditions:
Renal carnitine transport defect (CDSP). Also called: Carnitine transporter deficiency; Carnitine Deficiency, Systemic; Primary carnitine deficiency; Systemic primary carnitine deficiency; CARNITINE DEFICIENCY, SYSTEMIC, DUE TO DEFECT IN RENAL REABSORPTION OF CARNITINE; CARNITINE TRANSPORTER, PLASMA-MEMBRANE, DEFICIENCY OF. Identifiers: Orphanet 158, MedGen C0342788, MONDO:0008919, OMIM 212140.

Allele frequency attached by ClinVar (database versions not stated): TOPMed 0.01218; 1000 Genomes Project 0.01238; 1000 Genomes Project 30x 0.01249; gnomAD exomes 0.02265.
gnomAD v4.1: 2,094 of 152,850 alleles (1.4%); highest among the groups gnomAD compares: South Asian, 2.6%; 26 homozygotes.

Submissions (2):

Illumina Laboratory Services, Illumina
Classification: Likely benign for Renal carnitine transport defect. Last evaluated: 2018-01-12. Review status: criteria provided, single submitter. Criteria: ICSL Variant Classification Criteria 13 December 2019. Collection method: clinical testing. Allele origin: germline.
Comment: This variant was observed in the ICSL laboratory as part of a predisposition screen in an ostensibly healthy population. It had not been previously curated by ICSL or reported in the Human Gene Mutation Database (HGMD: prior to June 1st, 2018), and was therefore a candidate for classification through an automated scoring system. Utilizing variant allele frequency, disease prevalence and penetrance estimates, and inheritance mode, an automated score was calculated to assess if this variant is too frequent to cause the disease. Based on the score and internal cut-off values, a variant classified as likely benign is not then subjected to further curation. The score for this variant resulted in a classification of likely benign for this disease.

Breakthrough Genomics
Classification: Likely benign. Review status: criteria provided, single submitter. Criteria: ACMG Guidelines, 2015. Collection method: not provided. Allele origin: germline. Inheritance: Autosomal recessive inheritance. Affected: yes.

NM_003060.4(SLC22A5):c.*1142C>T

Gene: SLC22A5 (solute carrier family 22 member 5; plus strand). Cytogenetic location: 5q31.1.
Variant type: single nucleotide variant.
Coding change: c.*1142C>T on transcript NM_003060.4 (MANE Select); 1142 bases downstream of the stop codon, C replaced by T.
Molecular consequence: 3 prime UTR variant.
Genome position (GRCh38, 1-based): chr5:132,395,414, C>T. VCF-style: chr5-132395414-C-T. GRCh37 (hg19) VCF-style: chr5-131731106-C-T.
Other names: c.*1142C>T (NM_001308122.2).
Identifiers: ClinVar variation 907609 (VCV000907609.5), dbSNP rs62385689, ClinGen allele CA127213658.